The following is an entry in ClinVar:

ClinVar aggregate classification (germline): Uncertain significance (1 of 4 stars; one submission).

Conditions:
Hereditary cancer-predisposing syndrome. Also called: Hereditary Cancer Syndrome; Neoplastic Syndromes, Hereditary; Tumor predisposition; Hereditary neoplastic syndrome. Identifiers: Orphanet 140162, MedGen C0027672, MeSH D009386, MONDO:0015356.

Submission:

Ambry Genetics
Classification: Uncertain significance for Hereditary cancer-predisposing syndrome. Last evaluated: 2026-09-03. Review status: criteria provided, single submitter. Criteria: Ambry Variant Classification Scheme 2023. Collection method: clinical testing. Allele origin: germline.
Comment: The p.G1272V variant (also known as c.3815G>T), located in coding exon 25 of the ALK gene, results from a G to T substitution at nucleotide position 3815. The glycine at codon 1272 is replaced by valine, an amino acid with dissimilar properties. This amino acid position is highly conserved in available vertebrate species. In addition, this alteration is predicted to be deleterious by in silico analysis. Based on the available evidence, the clinical significance of this variant remains unclear.

NM_004304.5(ALK):c.3815G>T (p.Gly1272Val)

Gene: ALK (ALK receptor tyrosine kinase; minus strand). Cytogenetic location: 2p23.2.
Variant type: single nucleotide variant.
Coding change: c.3815G>T on transcript NM_004304.5 (MANE Select); coding-DNA position 3815, G replaced by T.
Protein change: p.Gly1272Val; replaces glycine 1272 with valine.
Molecular consequence: missense variant.
Genome position (GRCh38, 1-based): chr2:29,209,807, C>A on the plus strand (G>T on the coding strand, the complement: ALK is on the minus strand). VCF-style: chr2-29209807-C-A. GRCh37 (hg19) VCF-style: chr2-29432673-C-A.
Other names: c.611G>T, p.Gly204Val (NM_001353765.2); short protein forms G204V, G1272V.
Identifiers: ClinVar variation 5034761 (VCV005034761.1).